The following is an entry in ClinVar:

NM_002303.6(LEPR):c.1647A>G (p.Ile549Met)

Gene: LEPR (leptin receptor; plus strand). Cytogenetic location: 1p31.3.
Variant type: single nucleotide variant.
Coding change: c.1647A>G on transcript NM_002303.6 (MANE Select); coding-DNA position 1647, A replaced by G.
Protein change: p.Ile549Met; replaces isoleucine 549 with methionine.
Molecular consequence: missense variant.
Genome position (GRCh38, 1-based): chr1:65,608,796, A>G. VCF-style: chr1-65608796-A-G. GRCh37 (hg19) VCF-style: chr1-66074479-A-G.
Other names: c.1647A>G, p.Ile549Met (NM_001003679.3, NM_001003680.3, NM_001198687.2 and 2 more transcripts); short protein forms I549M.
Identifiers: ClinVar variation 3355398 (VCV003355398.2).
Genomic context (GRCh38, chr1:65,608,796, plus strand): 5'-ATTGTAAAAATTTCTAGTGAAGCCACTGCCTCCATCCAGTGTGAAAGCAGAAATTACTAT[A>G]AACATTGGATTATTGAAAATATCTTGGGAAAAGCCAGTCTTTCCAGAGAATAACCTTCAA-3'
Protein context (NP_002294.2, residues 539-559): PPSSVKAEIT[Ile549Met]NIGLLKISWE

ClinVar aggregate classification (germline): Uncertain significance (1 of 4 stars; one submission).

Conditions:
LEPR-related disorder. Also called: LEPR-related disorders; LEPR-related condition.

gnomAD v4.1: 18 of 1,613,814 alleles (0.0011%); highest among the groups gnomAD compares: Non-Finnish European, 0.0015%; no homozygotes.

Submission:

PreventionGenetics, part of Exact Sciences
Classification: Uncertain significance for LEPR-related condition. Last evaluated: 2026-03-12. Review status: criteria provided, single submitter. Criteria: ACMG Guidelines, 2015. Collection method: clinical testing. Allele origin: germline.
Comment: The LEPR c.1647A>G variant is predicted to result in the amino acid substitution p.Ile549Met. This variant was observed in a cohort of individuals with obesity, and in vitro functional studies showed function similar to wild-type levels (Supplemental Data Set, Shah et al. 2023. PubMed ID: 36864747). This variant is reported in 0.0018% of alleles in individuals of European (Non-Finnish) descent in gnomAD. At this time, the clinical significance of this variant is uncertain due to the absence of conclusive functional and genetic evidence.